The following is an entry in ClinVar:

ClinVar aggregate classification (germline): Uncertain significance (1 of 4 stars; one submission).

Conditions:
Hereditary cancer-predisposing syndrome. Also called: Neoplastic Syndromes, Hereditary; Tumor predisposition; Hereditary Cancer Syndrome; Hereditary neoplastic syndrome. Identifiers: Orphanet 140162, MedGen C0027672, MeSH D009386, MONDO:0015356.

Submission:

Color Diagnostics, LLC DBA Color Health
Classification: Uncertain significance for Hereditary cancer-predisposing syndrome. Last evaluated: 2023-12-05. Review status: criteria provided, single submitter. Criteria: ACMG Guidelines, 2015. Collection method: clinical testing. Allele origin: germline.
Comment: This missense variant replaces leucine with phenylalanine at codon 1238 of the ATM protein. Computational prediction suggests that this variant may not impact protein structure and function (internally defined REVEL score threshold <= 0.5, PMID: 27666373). To our knowledge, functional studies have not been reported for this variant. This variant has not been reported in individuals affected with ATM-related disorders in the literature. This variant has not been identified in the general population by the Genome Aggregation Database (gnomAD). The available evidence is insufficient to determine the role of this variant in disease conclusively. Therefore, this variant is classified as a Variant of Uncertain Significance.

NM_000051.4(ATM):c.3714A>T (p.Leu1238Phe)

Gene: ATM (ATM serine/threonine kinase; plus strand). Cytogenetic location: 11q22.3.
Variant type: single nucleotide variant.
Coding change: c.3714A>T on transcript NM_000051.4 (MANE Select); coding-DNA position 3714, A replaced by T.
Protein change: p.Leu1238Phe; replaces leucine 1238 with phenylalanine.
Molecular consequence: missense variant.
Genome position (GRCh38, 1-based): chr11:108,282,847, A>T. VCF-style: chr11-108282847-A-T. GRCh37 (hg19) VCF-style: chr11-108153574-A-T.
Other names: c.3714A>T, p.Leu1238Phe (NM_001351834.2); short protein forms L1238F.
Identifiers: ClinVar variation 918259 (VCV000918259.4), dbSNP rs2082306739, ClinGen allele CA382523704.